The following is an entry in ClinVar:

NM_001611.5(ACP5):c.109G>A (p.Val37Ile)

Gene: ACP5 (acid phosphatase 5, tartrate resistant; minus strand). Cytogenetic location: 19p13.2.
Variant type: single nucleotide variant.
Coding change: c.109G>A on transcript NM_001611.5 (MANE Select); coding-DNA position 109, G replaced by A.
Protein change: p.Val37Ile; replaces valine 37 with isoleucine.
Molecular consequence: missense variant.
Genome position (GRCh38, 1-based): chr19:11,577,209, C>T on the plus strand (G>A on the coding strand, the complement: ACP5 is on the minus strand). VCF-style: chr19-11577209-C-T. GRCh37 (hg19) VCF-style: chr19-11688024-C-T.
Other names: c.109G>A, p.Val37Ile (NM_001111034.3, NM_001111035.3, NM_001111036.3 and 1 more transcripts); short protein forms V37I.
Identifiers: ClinVar variation 2117085 (VCV002117085.4), dbSNP rs2512731376, ClinGen allele CA404149322.

ClinVar aggregate classification (germline): Uncertain significance (1 of 4 stars; one submission).

Conditions:
Spondyloenchondrodysplasia with immune dysregulation (SPENCDI). Also called: ROIFMAN IMMUNOSKELETAL SYNDROME; SPONDYLOENCHONDRODYSPLASIA WITH OR WITHOUT IMMUNE DYSREGULATION; COMBINED IMMUNODEFICIENCY WITH AUTOIMMUNITY AND SPONDYLOMETAPHYSEAL DYSPLASIA. Identifiers: Orphanet 1855, MedGen C1842763, MONDO:0011939, OMIM 607944.

Submission:

Labcorp Genetics (formerly Invitae), Labcorp
Classification: Uncertain significance for Spondyloenchondrodysplasia with immune dysregulation. Last evaluated: 2022-08-19. Review status: criteria provided, single submitter. Criteria: Invitae Variant Classification Sherloc (09022015). Collection method: clinical testing. Allele origin: germline.
Comment: This variant is not present in population databases (gnomAD no frequency). In summary, the available evidence is currently insufficient to determine the role of this variant in disease. Therefore, it has been classified as a Variant of Uncertain Significance. Algorithms developed to predict the effect of missense changes on protein structure and function are either unavailable or do not agree on the potential impact of this missense change (SIFT: "Not Available"; PolyPhen-2: "Benign"; Align-GVGD: "Not Available"). This variant has not been reported in the literature in individuals affected with ACP5-related conditions. This sequence change replaces valine, which is neutral and non-polar, with isoleucine, which is neutral and non-polar, at codon 37 of the ACP5 protein (p.Val37Ile).